The following is an entry in ClinVar:

NM_001618.4(PARP1):c.1629G>A (p.Ala543=)

Genes: PARP1 (poly(ADP-ribose) polymerase 1; minus strand), LOC126806035 (BRD4-independent group 4 enhancer GRCh37_chr1:226566810-226568009; plus strand). Cytogenetic location: 1q42.12.
Variant type: single nucleotide variant.
Coding change: c.1629G>A on transcript NM_001618.4 (MANE Select); coding-DNA position 1629, G replaced by A.
Protein change: p.Ala543=; no amino-acid change (alanine 543 retained).
Molecular consequence: synonymous variant.
Genome position (GRCh38, 1-based): chr1:226,379,258, C>T on the plus strand (G>A on the coding strand, the complement: PARP1 is on the minus strand). VCF-style: chr1-226379258-C-T. GRCh37 (hg19) VCF-style: chr1-226566959-C-T.
Identifiers: ClinVar variation 3049450 (VCV003049450.2), dbSNP rs116547814, ClinGen allele CA1422742.

ClinVar aggregate classification (germline): Benign (0 of 4 stars; one submission).

Conditions:
PARP1-related disorder. Also called: PARP1-related condition.

Allele frequency attached by ClinVar (database versions not stated): gnomAD exomes 0.00043; ExAC 0.00114; gnomAD 0.00345; TOPMed 0.00375; ESP Exome Variant Server 0.00431; 1000 Genomes Project 0.00459; 1000 Genomes Project 30x 0.00468.
gnomAD v4.1: 1,183 of 1,614,248 alleles (0.073%); highest among the groups gnomAD compares: African/African-American, 1.3%; 7 homozygotes.

Submission:

PreventionGenetics, part of Exact Sciences
Classification: Benign for PARP1-related condition. Last evaluated: 2019-11-25. Review status: no assertion criteria provided. Collection method: clinical testing. Allele origin: germline.
Comment: This variant is classified as benign based on ACMG/AMP sequence variant interpretation guidelines (Richards et al. 2015 PMID: 25741868, with internal and published modifications).